The following is an entry in ClinVar:

NM_002336.3(LRP6):c.580C>T (p.Gln194Ter)

Gene: LRP6 (LDL receptor related protein 6; minus strand). Cytogenetic location: 12p13.2.
Variant type: single nucleotide variant.
Coding change: c.580C>T on transcript NM_002336.3 (MANE Select); coding-DNA position 580, C replaced by T.
Protein change: p.Gln194Ter; replaces glutamine 194 with a stop codon.
Molecular consequence: nonsense. On other transcripts: non-coding transcript variant (1), intron variant (1).
Genome position (GRCh38, 1-based): chr12:12,203,270, G>A on the plus strand (C>T on the coding strand, the complement: LRP6 is on the minus strand). VCF-style: chr12-12203270-G-A. GRCh37 (hg19) VCF-style: chr12-12356204-G-A.
Other names: c.580C>T, p.Gln194Ter (NM_001414244.1, NM_001414245.1, NM_001414246.1 and 5 more transcripts); c.127C>T, p.Gln43Ter (NM_001414252.1, NM_001414253.1, NM_001414254.1); c.450-16151C>T (NM_001414247.1); short protein forms Q194*, Q43*.
Identifiers: ClinVar variation 3655384 (VCV003655384.2).

ClinVar aggregate classification (germline): Pathogenic (1 of 4 stars; one submission).

Submission:

Labcorp Genetics (formerly Invitae), Labcorp
Classification: Pathogenic. Last evaluated: 2024-06-03. Review status: criteria provided, single submitter. Criteria: Invitae Variant Classification Sherloc (09022015). Collection method: clinical testing. Allele origin: germline.
Comment: This sequence change creates a premature translational stop signal (p.Gln194*) in the LRP6 gene. It is expected to result in an absent or disrupted protein product. Loss-of-function variants in LRP6 are known to be pathogenic (PMID: 26387593). This variant is not present in population databases (gnomAD no frequency). This variant has not been reported in the literature in individuals affected with LRP6-related conditions. For these reasons, this variant has been classified as Pathogenic.

Literature cited by the submitters: PubMed 26387593.